The following is an entry in ClinVar:

ClinVar aggregate classification (germline): Likely benign. Review status: criteria provided, multiple submitters, no conflicts (2 of 4 stars). 4 submissions from 4 submitters: Likely benign (3). 1 of the submissions does not count toward it. Last evaluated 2026-05-12.

Conditions:
ANKRD11-related disorder. Also called: ANKRD11-related condition.
KBG syndrome (KBGS). Also called: ANKRD11-Related KBG Syndrome. Identifiers: Orphanet 2332, MedGen C0220687, MONDO:0007846, OMIM 148050.

Allele frequency attached by ClinVar (database versions not stated): ExAC 0.00001; gnomAD exomes 0.00001; TOPMed 0.00001; gnomAD 0.00002.
gnomAD v4.1: 16 of 1,613,802 alleles (0.00099%); highest among the groups gnomAD compares: South Asian, 0.0022%; no homozygotes.

Submissions (4):

Women's Health and Genetics/Laboratory Corporation of America, LabCorp
Classification: Likely benign. Last evaluated: 2026-05-12. Review status: criteria provided, single submitter. Criteria: LabCorp Variant Classification Summary - May 2015. Collection method: clinical testing. Allele origin: germline.

Labcorp Genetics (formerly Invitae), Labcorp
Classification: Likely benign for KBG syndrome. Last evaluated: 2025-08-29. Review status: criteria provided, single submitter. Criteria: Invitae Variant Classification Sherloc (09022015). Collection method: clinical testing. Allele origin: germline.

Blueprint Genetics
Classification: Likely benign. Last evaluated: 2024-09-30. Review status: criteria provided, single submitter. Criteria: ACMG Guidelines, 2015. Collection method: clinical testing. Allele origin: germline.

PreventionGenetics, part of Exact Sciences
Classification: Likely benign for ANKRD11-related condition. Last evaluated: 2023-11-09. Review status: no assertion criteria provided. Collection method: clinical testing. Allele origin: germline. Not counted in ClinVar's aggregate classification.
Comment: This variant is classified as likely benign based on ACMG/AMP sequence variant interpretation guidelines (Richards et al. 2015 PMID: 25741868, with internal and published modifications).

NM_013275.6(ANKRD11):c.4725C>T (p.Asp1575=)

Gene: ANKRD11 (ankyrin repeat domain 11; minus strand). Cytogenetic location: 16q24.3.
Variant type: single nucleotide variant.
Coding change: c.4725C>T on transcript NM_013275.6 (MANE Select); coding-DNA position 4725, C replaced by T.
Protein change: p.Asp1575=; no amino-acid change (aspartic acid 1575 retained).
Molecular consequence: synonymous variant.
Genome position (GRCh38, 1-based): chr16:89,281,817, G>A on the plus strand (C>T on the coding strand, the complement: ANKRD11 is on the minus strand). VCF-style: chr16-89281817-G-A. GRCh37 (hg19) VCF-style: chr16-89348225-G-A.
Other names: c.4725C>T, p.Asp1575= (NM_001256182.2, NM_001256183.2).
Identifiers: ClinVar variation 3036786 (VCV003036786.5), dbSNP rs774709968, ClinGen allele CA8242046.
Genomic context (GRCh38, chr16:89,281,817, plus strand): 5'-CTCGATCTCCAGGTCCTTCTGGGACAGCATCCTCTCGAAGCTGGTCATCATCAGGTCGCC[G>A]TCCCCCAGGAGCTTCTCCCTGGGCCTGGCGTCTTTCTTGCCTGGGTCTTTGGATGGCGCT-3'
Protein context (NP_037407.4, residues 1565-1585): DARPREKLLG[Asp1575=]GDLMMTSFER